The following is an entry in ClinVar:

ClinVar aggregate classification (germline): Likely benign. Review status: criteria provided, multiple submitters, no conflicts (2 of 4 stars). 5 submissions from 5 submitters: Likely benign (4). 1 of the submissions does not count toward it. Last evaluated 2026-01-19.

Conditions:
P2RX2-related disorder. Also called: P2RX2-related condition.

Allele frequency attached by ClinVar (database versions not stated): 1000 Genomes Project 30x 0.00016; 1000 Genomes Project 0.00020; gnomAD 0.00046 and 0.00051; TOPMed 0.00046; ESP Exome Variant Server 0.00085.

Submissions (5):

Labcorp Genetics (formerly Invitae), Labcorp
Classification: Likely benign. Last evaluated: 2026-01-19. Review status: criteria provided, single submitter. Criteria: Invitae Variant Classification Sherloc (09022015). Collection method: clinical testing. Allele origin: germline.

GeneDx
Classification: Likely benign. Last evaluated: 2018-01-23. Review status: criteria provided, single submitter. Criteria: GeneDx Variant Classification (06012015). Collection method: clinical testing. Allele origin: germline. Affected: yes.
Comment: This variant is considered likely benign or benign based on one or more of the following criteria: it is a conservative change, it occurs at a poorly conserved position in the protein, it is predicted to be benign by multiple in silico algorithms, and/or has population frequency not consistent with disease.

Eurofins Ntd Llc (ga)
Classification: Likely benign. Last evaluated: 2018-01-16. Review status: criteria provided, single submitter. Criteria: EGL Classification Definitions 2015. Collection method: clinical testing. Allele origin: germline. Observed: 1 variant allele, 1 heterozygote.

Breakthrough Genomics
Classification: Likely benign. Review status: criteria provided, single submitter. Criteria: ACMG Guidelines, 2015. Collection method: not provided. Allele origin: germline. Inheritance: Autosomal dominant inheritance. Affected: yes.

PreventionGenetics, part of Exact Sciences
Classification: Likely benign for P2RX2-related condition. Last evaluated: 2023-09-14. Review status: no assertion criteria provided. Collection method: clinical testing. Allele origin: germline. Not counted in ClinVar's aggregate classification.
Comment: This variant is classified as likely benign based on ACMG/AMP sequence variant interpretation guidelines (Richards et al. 2015 PMID: 25741868, with internal and published modifications).

NM_170682.4(P2RX2):c.922A>G (p.Lys308Glu)

Gene: P2RX2 (purinergic receptor P2X 2; plus strand). Cytogenetic location: 12q24.33.
Variant type: single nucleotide variant.
Coding change: c.922A>G on transcript NM_170682.4 (MANE Select); coding-DNA position 922, A replaced by G.
Protein change: p.Lys308Glu; replaces lysine 308 with glutamic acid.
Molecular consequence: missense variant.
Genome position (GRCh38, 1-based): chr12:132,621,271, A>G. VCF-style: chr12-132621271-A-G. GRCh37 (hg19) VCF-style: chr12-133197857-A-G.
Other names: c.820A>G, p.Lys274Glu (NM_001282164.2); c.922A>G, p.Lys308Glu (NM_001282165.2, NM_170683.4, NM_174873.3); c.706A>G, p.Lys236Glu (NM_012226.5); c.850A>G, p.Lys284Glu (NM_016318.4); c.646A>G, p.Lys216Glu (NM_174872.3); short protein forms K236E, K308E, K274E, K284E, K216E.
Identifiers: ClinVar variation 514244 (VCV000514244.17), dbSNP rs115331525, ClinGen allele CA6891727.